The following is an entry in ClinVar:

ClinVar aggregate classification (germline): Uncertain significance (1 of 4 stars; one submission).

Conditions:
Hereditary cancer-predisposing syndrome. Also called: Hereditary Cancer Syndrome; Hereditary neoplastic syndrome; Neoplastic Syndromes, Hereditary; Tumor predisposition. Identifiers: Orphanet 140162, MedGen C0027672, MeSH D009386, MONDO:0015356.

Submission:

Ambry Genetics
Classification: Uncertain significance for Hereditary cancer-predisposing syndrome. Last evaluated: 2025-06-28. Review status: criteria provided, single submitter. Criteria: Ambry Variant Classification Scheme 2023. Collection method: clinical testing. Allele origin: germline.
Comment: The p.V308L variant (also known as c.922G>C), located in coding exon 8 of the EGFR gene, results from a G to C substitution at nucleotide position 922. The valine at codon 308 is replaced by leucine, an amino acid with highly similar properties. This amino acid position is conserved. In addition, this alteration is predicted to be deleterious by in silico analysis. Based on the available evidence, the clinical significance of this variant remains unclear.

NM_005228.5(EGFR):c.922G>C (p.Val308Leu)

Gene: EGFR (epidermal growth factor receptor; plus strand). Cytogenetic location: 7p11.2.
Variant type: single nucleotide variant.
Coding change: c.922G>C on transcript NM_005228.5 (MANE Select); coding-DNA position 922, G replaced by C.
Protein change: p.Val308Leu; replaces valine 308 with leucine.
Molecular consequence: missense variant.
Genome position (GRCh38, 1-based): chr7:55,155,862, G>C. VCF-style: chr7-55155862-G-C. GRCh37 (hg19) VCF-style: chr7-55223555-G-C.
Other names: c.787G>C, p.Val263Leu (NM_001346897.2, NM_001346899.2); c.922G>C, p.Val308Leu (NM_001346898.2, NM_201282.2, NM_201283.2 and 1 more transcripts); c.763G>C, p.Val255Leu (NM_001346900.2); c.121G>C, p.Val41Leu (NM_001346941.2); short protein forms V255L, V263L, V41L, V308L.
Identifiers: ClinVar variation 4247288 (VCV004247288.1).
Genomic context (GRCh38, chr7:55,155,862, plus strand): 5'-CACCTTCCTTTCATGCTCTCTTCCCCAGGTAATTATGTGGTGACAGATCACGGCTCGTGC[G>C]TCCGAGCCTGTGGGGCCGACAGCTATGAGATGGAGGAAGACGGCGTCCGCAAGTGTAAGA-3'
Protein context (NP_005219.2, residues 298-318): NYVVTDHGSC[Val308Leu]RACGADSYEM